The following is an entry in ClinVar:

ClinVar aggregate classification (germline): Pathogenic (1 of 4 stars; one submission).

Conditions:
Arrhythmogenic right ventricular dysplasia 9 (ARVD9). Also called: Arrhythmogenic Right Ventricular Dysplasia/Cardiomyopathy 9; ARRHYTHMOGENIC RIGHT VENTRICULAR DYSPLASIA, FAMILIAL, 9. Identifiers: MedGen C1836906, MONDO:0012180, OMIM 609040.

Submission:

Labcorp Genetics (formerly Invitae), Labcorp
Classification: Pathogenic for Arrhythmogenic right ventricular dysplasia 9. Last evaluated: 2017-01-23. Review status: criteria provided, single submitter. Criteria: Invitae Variant Classification Sherloc (09022015). Collection method: clinical testing. Allele origin: germline.
Comment: This variant is a gross deletion of the genomic region encompassing exons 11-12 of the PKP2 gene. This is predicted to create a premature translational stop signal and is expected to result in an absent or disrupted protein product. While this particular variant has not been reported in the literature, truncating variants in PKP2 are known to be pathogenic (PMID: 15489853). For these reasons, this variant has been classified as Pathogenic.

NM_004572.3(PKP2):c.2146-?_2489+?del

Gene: PKP2 (plakophilin 2; minus strand). Cytogenetic location: 12p11.21.
Variant type: Deletion.
Coding change: c.2146-?_2489+?del on transcript NM_004572.3.
Other names: c.2146-?_2489+?del (LRG_398t1).
Identifiers: ClinVar variation 254051 (VCV000254051.1).